The following is an entry in ClinVar:

ClinVar aggregate classification (germline): Uncertain significance. Review status: criteria provided, multiple submitters, no conflicts (2 of 4 stars). 2 submissions from 2 submitters: Uncertain significance (2). Last evaluated 2022-08-18.

Conditions:
Hereditary cancer-predisposing syndrome. Also called: Tumor predisposition; Neoplastic Syndromes, Hereditary; Hereditary Cancer Syndrome; Hereditary neoplastic syndrome. Identifiers: Orphanet 140162, MedGen C0027672, MeSH D009386, MONDO:0015356.
Multiple endocrine neoplasia, type 2 (MEN2). Identifiers: Orphanet 653, MedGen C4048306, MONDO:0019003. Disease mechanism: gain of function.

Allele frequency attached by ClinVar (database versions not stated): gnomAD 0.00001.

Submissions (2):

Labcorp Genetics (formerly Invitae), Labcorp
Classification: Uncertain significance for Multiple endocrine neoplasia, type 2. Last evaluated: 2022-08-18. Review status: criteria provided, single submitter. Criteria: Invitae Variant Classification Sherloc (09022015). Collection method: clinical testing. Allele origin: germline.
Comment: Algorithms developed to predict the effect of missense changes on protein structure and function are either unavailable or do not agree on the potential impact of this missense change (SIFT: "Deleterious"; PolyPhen-2: "Benign"; Align-GVGD: "Class C0"). This variant is present in population databases (no rsID available, gnomAD 0.007%). This variant has not been reported in the literature in individuals affected with RET-related conditions. In summary, the available evidence is currently insufficient to determine the role of this variant in disease. Therefore, it has been classified as a Variant of Uncertain Significance. This sequence change replaces alanine, which is neutral and non-polar, with valine, which is neutral and non-polar, at codon 1046 of the RET protein (p.Ala1046Val).

Ambry Genetics
Classification: Uncertain significance for Hereditary cancer-predisposing syndrome. Last evaluated: 2022-01-05. Review status: criteria provided, single submitter. Criteria: Ambry Variant Classification Scheme 2023. Collection method: clinical testing. Allele origin: germline.
Comment: The p.A1046V variant (also known as c.3137C>T), located in coding exon 19 of the RET gene, results from a C to T substitution at nucleotide position 3137. The alanine at codon 1046 is replaced by valine, an amino acid with similar properties. This amino acid position is conserved. In addition, this alteration is predicted to be tolerated by in silico analysis. Since supporting evidence is limited at this time, the clinical significance of this alteration remains unclear.

NM_020975.6(RET):c.3137C>T (p.Ala1046Val)

Gene: RET (ret proto-oncogene; plus strand). Cytogenetic location: 10q11.21.
Variant type: single nucleotide variant.
Coding change: c.3137C>T on transcript NM_020975.6 (MANE Select); coding-DNA position 3137, C replaced by T.
Protein change: p.Ala1046Val; replaces alanine 1046 with valine.
Molecular consequence: missense variant.
Genome position (GRCh38, 1-based): chr10:43,126,672, C>T. VCF-style: chr10-43126672-C-T. GRCh37 (hg19) VCF-style: chr10-43622120-C-T.
Other names: c.3137C>T, p.Ala1046Val (NM_020630.7, NM_000323.2, NM_001406743.1 and 2 more transcripts); c.2375C>T, p.Ala792Val (NM_001355216.2); c.3008C>T, p.Ala1003Val (NM_001406761.1, NM_001406762.1, NM_001406764.1); c.3002C>T, p.Ala1001Val (NM_001406763.1, NM_001406765.1); c.2849C>T, p.Ala950Val (NM_001406766.1, NM_001406767.1, NM_001406770.1); c.2873C>T, p.Ala958Val (NM_001406768.1); c.2741C>T, p.Ala914Val (NM_001406769.1, NM_001406772.1); c.2699C>T, p.Ala900Val (NM_001406771.1, NM_001406773.1); and 10 more; short protein forms A1003V, A651V, A716V, A747V, A914V, A1001V, A611V, A707V.
Identifiers: ClinVar variation 1728025 (VCV001728025.7), dbSNP rs945693739, ClinGen allele CA206267843.